The following is an entry in ClinVar:

NM_000322.5(PRPH2):c.423C>A (p.Tyr141Ter)

Gene: PRPH2 (peripherin 2; minus strand). Cytogenetic location: 6p21.1.
Variant type: single nucleotide variant.
Coding change: c.423C>A on transcript NM_000322.5 (MANE Select); coding-DNA position 423, C replaced by A.
Protein change: p.Tyr141Ter; replaces tyrosine 141 with a stop codon.
Molecular consequence: nonsense.
Genome position (GRCh38, 1-based): chr6:42,721,912, G>T on the plus strand (C>A on the coding strand, the complement: PRPH2 is on the minus strand). VCF-style: chr6-42721912-G-T. GRCh37 (hg19) VCF-style: chr6-42689650-G-T.
Other names: short protein forms Y141*.
Identifiers: ClinVar variation 1175247 (VCV001175247.8), dbSNP rs2152010946, ClinGen allele CA364137590.

ClinVar aggregate classification (germline): Pathogenic. Review status: criteria provided, multiple submitters, no conflicts (2 of 4 stars). 3 submissions from 3 submitters: Pathogenic (2). 1 of the submissions does not count toward it. Last evaluated 2022-07-19.

Conditions:
Retinal dystrophy. Also called: Inherited retinal dystrophy. Identifiers: Orphanet 71862, MedGen C0854723, MeSH D058499, MONDO:0019118, HP:0000556.
PRPH2-related disorder. Also called: PRPH2-related disorders; PRPH2-related condition. Identifiers: MedGen CN239395.

Submissions (3):

Labcorp Genetics (formerly Invitae), Labcorp
Classification: Pathogenic for PRPH2-related disorder. Last evaluated: 2022-07-19. Review status: criteria provided, single submitter. Criteria: Invitae Variant Classification Sherloc (09022015). Collection method: clinical testing. Allele origin: germline.
Comment: For these reasons, this variant has been classified as Pathogenic. ClinVar contains an entry for this variant (Variation ID: 1175247). This variant has not been reported in the literature in individuals affected with PRPH2-related conditions. This variant is not present in population databases (gnomAD no frequency). This sequence change creates a premature translational stop signal (p.Tyr141*) in the PRPH2 gene. It is expected to result in an absent or disrupted protein product. Loss-of-function variants in PRPH2 are known to be pathogenic (PMID: 8111389, 8485575, 8485576, 8675410, 16916875, 17504850, 25675413, 26061163, 27365499, 29555955).

Institute of Human Genetics, Univ. Regensburg, Univ. Regensburg
Classification: Pathogenic for Retinal dystrophy. Last evaluated: 2019-01-01. Review status: criteria provided, single submitter. Criteria: ACMG Guidelines, 2015. Collection method: clinical testing. Allele origin: germline. Affected: yes.

Leiden Open Variation Database
Classification: Pathogenic. Last evaluated: 2021-04-06. Review status: no assertion criteria provided. Collection method: curation. Allele origin: germline. Affected: yes. Not counted in ClinVar's aggregate classification.
Comment: Curator: Global Variome, with Curator vacancy. Submitter to LOVD: Manon Peeters.

Literature cited by the submitters: PubMed 8111389 (cited by Labcorp Genetics (formerly Invitae), Labcorp); PubMed 8485575 (cited by Labcorp Genetics (formerly Invitae), Labcorp); PubMed 8485576 (cited by Labcorp Genetics (formerly Invitae), Labcorp); PubMed 8675410 (cited by Labcorp Genetics (formerly Invitae), Labcorp); PubMed 16916875 (cited by Labcorp Genetics (formerly Invitae), Labcorp); PubMed 17504850 (cited by Labcorp Genetics (formerly Invitae), Labcorp); PubMed 25675413 (cited by Labcorp Genetics (formerly Invitae), Labcorp); PubMed 26061163 (cited by Labcorp Genetics (formerly Invitae), Labcorp); PubMed 27365499 (cited by Labcorp Genetics (formerly Invitae), Labcorp); PubMed 29555955 (cited by Labcorp Genetics (formerly Invitae), Labcorp); PubMed 34411390 (cited by Institute of Human Genetics, Univ. Regensburg, Univ. Regensburg).